The following is an entry in ClinVar:

ClinVar aggregate classification (germline): Uncertain significance (1 of 4 stars; one submission).

gnomAD v4.1: 1 of 1,613,898 alleles (0.000062%); highest among the groups gnomAD compares: African/African-American, 0.0013%; no homozygotes.

Submission:

GeneDx
Classification: Uncertain significance. Last evaluated: 2024-08-29. Review status: criteria provided, single submitter. Criteria: GeneDx Variant Classification Process June 2021. Collection method: clinical testing. Allele origin: germline. Affected: yes.
Comment: Not observed at significant frequency in large population cohorts (gnomAD); In silico analysis supports that this missense variant has a deleterious effect on protein structure/function; Has not been previously published as pathogenic or benign to our knowledge

NM_001256012.3(MYH10):c.2410G>A (p.Gly804Arg)

Gene: MYH10 (myosin heavy chain 10; minus strand). Cytogenetic location: 17p13.1.
Variant type: single nucleotide variant.
Coding change: c.2410G>A on transcript NM_001256012.3 (MANE Select); coding-DNA position 2410, G replaced by A.
Protein change: p.Gly804Arg; replaces glycine 804 with arginine.
Molecular consequence: missense variant.
Genome position (GRCh38, 1-based): chr17:8,518,725, C>T on the plus strand (G>A on the coding strand, the complement: MYH10 is on the minus strand). VCF-style: chr17-8518725-C-T. GRCh37 (hg19) VCF-style: chr17-8422043-C-T.
Other names: c.2344G>A, p.Gly782Arg (NM_001256095.2); c.2347G>A, p.Gly783Arg (NM_001375266.1); c.2317G>A, p.Gly773Arg (NM_005964.5); short protein forms G773R, G782R, G783R, G804R.
Identifiers: ClinVar variation 3766335 (VCV003766335.1).